The following is an entry in ClinVar:

NM_014795.4(ZEB2):c.2890G>T (p.Glu964Ter)

Gene: ZEB2 (zinc finger E-box binding homeobox 2; minus strand). Cytogenetic location: 2q22.3.
Variant type: single nucleotide variant.
Coding change: c.2890G>T on transcript NM_014795.4 (MANE Select); coding-DNA position 2890, G replaced by T.
Protein change: p.Glu964Ter; replaces glutamic acid 964 with a stop codon.
Molecular consequence: nonsense.
Genome position (GRCh38, 1-based): chr2:144,396,589, C>A on the plus strand (G>T on the coding strand, the complement: ZEB2 is on the minus strand). VCF-style: chr2-144396589-C-A. GRCh37 (hg19) VCF-style: chr2-145154156-C-A.
Other names: c.2818G>T, p.Glu940Ter (NM_001171653.2); short protein forms E940*, E964*.
Identifiers: ClinVar variation 1705483 (VCV001705483.1), dbSNP rs1703232747, ClinGen allele CA348705041.

ClinVar aggregate classification (germline): Likely pathogenic (1 of 4 stars; one submission).

Conditions:
Mowat-Wilson syndrome (MOWS). Also called: Classic Mowat-Wilson Syndrome. Identifiers: Orphanet 2152, MedGen C1856113, MONDO:0009341, OMIM 235730.

Submission:

3billion
Classification: Likely pathogenic for Mowat-Wilson syndrome. Last evaluated: 2022-09-01. Review status: criteria provided, single submitter. Criteria: ACMG Guidelines, 2015. Collection method: clinical testing. Allele origin: germline. Affected: yes. Observed: 1 heterozygote.
Comment: The variant is not observed in the gnomAD v2.1.1 dataset. This stop-gained (nonsense) variant is predicted to result in a loss or disruption of normal protein function through nonsense-mediated decay (NMD) or protein truncation. Multiple pathogenic variants are reported downstream of the variant. Therefore, this variant is classified as Likely pathogenic according to the recommendation of ACMG/AMP guideline.